The following is an entry in ClinVar:

ClinVar aggregate classification (germline): Likely benign (0 of 4 stars; one submission).

Conditions:
EPPK1-related disorder. Also called: EPPK1-related condition.

Allele frequency attached by ClinVar (database versions not stated): 1000 Genomes Project 30x 0.00016; 1000 Genomes Project 0.00040.
gnomAD v4.1: 117 of 1,604,640 alleles (0.0073%); highest among the groups gnomAD compares: African/African-American, 0.011%; no homozygotes.

Submission:

PreventionGenetics, part of Exact Sciences
Classification: Likely benign for EPPK1-related condition. Last evaluated: 2021-10-01. Review status: no assertion criteria provided. Collection method: clinical testing. Allele origin: germline.
Comment: This variant is classified as likely benign based on ACMG/AMP sequence variant interpretation guidelines (Richards et al. 2015 PMID: 25741868, with internal and published modifications).

NM_031308.4(EPPK1):c.882C>T (p.Pro294=)

Gene: EPPK1 (epiplakin 1; minus strand). Cytogenetic location: 8q24.3.
Variant type: single nucleotide variant.
Coding change: c.882C>T on transcript NM_031308.4 (MANE Select); coding-DNA position 882, C replaced by T.
Protein change: p.Pro294=; no amino-acid change (proline 294 retained).
Molecular consequence: synonymous variant.
Genome position (GRCh38, 1-based): chr8:143,872,372, G>A on the plus strand (C>T on the coding strand, the complement: EPPK1 is on the minus strand). VCF-style: chr8-143872372-G-A. GRCh37 (hg19) VCF-style: chr8-144946540-G-A.
Identifiers: ClinVar variation 3031798 (VCV003031798.2), dbSNP rs551340130, ClinGen allele CA4923505.
Genomic context (GRCh38, chr8:143,872,372, plus strand): 5'-GGTGCCCATTGGGAGCAGGTGCTCGGTGGCAGCCTGGAAAAAGCTCTTCTTGTGGCCTTC[G>A]GGCAGCAGGACAACCCCGGCCACGCTGCCGGTACCCTCCAGGTAGCGCCGCACCTCGGCA-3'
Protein context (NP_112598.3, residues 284-304): TGSVAGVVLL[Pro294=]EGHKKSFFQA